The following is an entry in ClinVar:

NM_177438.3(DICER1):c.1356C>G (p.Tyr452Ter)

Gene: DICER1 (dicer 1, ribonuclease III; minus strand). Cytogenetic location: 14q32.13.
Variant type: single nucleotide variant.
Coding change: c.1356C>G on transcript NM_177438.3 (MANE Select); coding-DNA position 1356, C replaced by G.
Protein change: p.Tyr452Ter; replaces tyrosine 452 with a stop codon.
Molecular consequence: nonsense.
Genome position (GRCh38, 1-based): chr14:95,124,216, G>C on the plus strand (C>G on the coding strand, the complement: DICER1 is on the minus strand). VCF-style: chr14-95124216-G-C. GRCh37 (hg19) VCF-style: chr14-95590553-G-C.
Other names: c.1356C>G, p.Tyr452Ter (NM_001195573.1, NM_001271282.3, NM_001291628.2 and 1 more transcripts); short protein forms Y452*.
Identifiers: ClinVar variation 429150 (VCV000429150.5), dbSNP rs1131691219, ClinGen allele CA390886148.
Genomic context (GRCh38, chr14:95,124,216, plus strand): 5'-TCCCTGTTCTCATGTGAAAGGAGTCAACTTACAGATTTACCTGTTTAAGACAACTGCTGT[G>C]TATCTTCTTTCCACAAAAATAATTCCGCACAAAATGTTGGTAAAAGGAGAAGGAAAATTT-3'

ClinVar aggregate classification (germline): Pathogenic (1 of 4 stars; one submission).

Conditions:
Hereditary cancer-predisposing syndrome. Also called: Hereditary Cancer Syndrome; Neoplastic Syndromes, Hereditary; Hereditary neoplastic syndrome; Tumor predisposition. Identifiers: Orphanet 140162, MedGen C0027672, MeSH D009386, MONDO:0015356.

Submission:

Ambry Genetics
Classification: Pathogenic for Hereditary cancer-predisposing syndrome. Last evaluated: 2016-08-22. Review status: criteria provided, single submitter. Criteria: Ambry Variant Classification Scheme 2023. Collection method: clinical testing. Allele origin: germline.
Comment: The p.Y452* pathogenic mutation (also known as c.1356C>G), located in coding exon 7 of the DICER1 gene, results from a C to G substitution at nucleotide position 1356. This changes the amino acid from a tyrosine to a stop codon within coding exon 7. This alteration is expected to result in loss of function by premature protein truncation or nonsense-mediated mRNA decay. As such, this alteration is interpreted as a disease-causing mutation.